The following is an entry in ClinVar:

ClinVar aggregate classification (germline): Uncertain significance (1 of 4 stars; one submission).

Submission:

Labcorp Genetics (formerly Invitae), Labcorp
Classification: Uncertain significance. Last evaluated: 2025-01-07. Review status: criteria provided, single submitter. Criteria: Invitae Variant Classification Sherloc (09022015). Collection method: clinical testing. Allele origin: germline.
Comment: This sequence change creates a premature translational stop signal (p.Gly319Aspfs*44) in the SIAE gene. It is expected to result in an absent or disrupted protein product. However, the current clinical and genetic evidence is not sufficient to establish whether loss-of-function variants in SIAE cause disease. This variant is present in population databases (rs774836998, gnomAD 0.0009%). This variant has not been reported in the literature in individuals affected with SIAE-related conditions. ClinVar contains an entry for this variant (Variation ID: 1925019). In summary, the available evidence is currently insufficient to determine the role of this variant in disease. Therefore, it has been classified as a Variant of Uncertain Significance.

NM_170601.5(SIAE):c.956del (p.Gly319fs)

Gene: SIAE (sialic acid acetylesterase; minus strand). Cytogenetic location: 11q24.2.
Variant type: Deletion.
Coding change: c.956del on transcript NM_170601.5 (MANE Select); coding-DNA position 956, one base deleted (G; older notation c.956delG).
Protein change: p.Gly319fs; shifts the reading frame from glycine 319.
Molecular consequence: frameshift variant.
Genome position (GRCh38, 1-based): chr11:124,647,375, C deleted on the plus strand (G on the coding strand, the reverse complement: SIAE is on the minus strand); the first of 2 consecutive C bases (chr11:124,647,375-124,647,376); deleting either gives the same sequence. VCF-style (leftmost placement, unchanged base first): chr11-124647374-TC-T. GRCh37 (hg19) VCF-style: chr11-124517270-TC-T.
Other names: c.851del, p.Gly284fs (NM_001199922.2); short protein forms G284fs, G319fs.
Identifiers: ClinVar variation 1925019 (VCV001925019.5), dbSNP rs774836998, ClinGen allele CA6341363.